The following is an entry in ClinVar:

NM_012179.4(FBXO7):c.697G>A (p.Val233Met)

Gene: FBXO7 (F-box protein 7; plus strand). Cytogenetic location: 22q12.3.
Variant type: single nucleotide variant.
Coding change: c.697G>A on transcript NM_012179.4 (MANE Select); coding-DNA position 697, G replaced by A.
Protein change: p.Val233Met; replaces valine 233 with methionine.
Molecular consequence: missense variant.
Genome position (GRCh38, 1-based): chr22:32,485,119, G>A. VCF-style: chr22-32485119-G-A. GRCh37 (hg19) VCF-style: chr22-32881106-G-A.
Other names: c.460G>A, p.Val154Met (NM_001033024.2); c.355G>A, p.Val119Met (NM_001257990.2); short protein forms V154M, V119M, V233M.
Identifiers: ClinVar variation 648239 (VCV000648239.8), dbSNP rs1388222868, ClinGen allele CA411332183.

ClinVar aggregate classification (germline): Uncertain significance (1 of 4 stars; one submission).

Conditions:
Parkinsonian-pyramidal syndrome. Also called: PARKINSON DISEASE 15, AUTOSOMAL RECESSIVE; PALLIDOPYRAMIDAL SYNDROME; PARKINSON DISEASE 15, AUTOSOMAL RECESSIVE EARLY-ONSET. Identifiers: Orphanet 171695, MedGen C1850100, MONDO:0009830, OMIM 260300.

Submission:

Labcorp Genetics (formerly Invitae), Labcorp
Classification: Uncertain significance for Parkinsonian-pyramidal syndrome. Last evaluated: 2018-07-10. Review status: criteria provided, single submitter. Criteria: Invitae Variant Classification Sherloc (09022015). Collection method: clinical testing. Allele origin: germline.
Comment: In summary, the available evidence is currently insufficient to determine the role of this variant in disease. Therefore, it has been classified as a Variant of Uncertain Significance. Algorithms developed to predict the effect of missense changes on protein structure and function are either unavailable or do not agree on the potential impact of this missense change (SIFT: "Deleterious"; PolyPhen-2: "Possibly Damaging"; Align-GVGD: "Class C0"). This variant has not been reported in the literature in individuals with FBXO7-related disease. This variant is not present in population databases (ExAC no frequency). This sequence change replaces valine with methionine at codon 233 of the FBXO7 protein (p.Val233Met). The valine residue is highly conserved and there is a small physicochemical difference between valine and methionine.